The following is an entry in ClinVar:

NM_000258.3(MYL3):c.170C>A (p.Ala57Asp)

Gene: MYL3 (myosin light chain 3; minus strand). Cytogenetic location: 3p21.31.
Variant type: single nucleotide variant.
Coding change: c.170C>A on transcript NM_000258.3 (MANE Select); coding-DNA position 170, C replaced by A.
Protein change: p.Ala57Asp; replaces alanine 57 with aspartic acid.
Molecular consequence: missense variant.
Genome position (GRCh38, 1-based): chr3:46,860,813, G>T on the plus strand (C>A on the coding strand, the complement: MYL3 is on the minus strand). VCF-style: chr3-46860813-G-T. GRCh37 (hg19) VCF-style: chr3-46902303-G-T.
Other names: p.A57D:GCC>GAC; short protein forms A57D.
Identifiers: ClinVar variation 43121 (VCV000043121.93), dbSNP rs139794067, ClinGen allele CA013575.

ClinVar aggregate classification (germline): Uncertain significance. Review status: reviewed by expert panel (3 of 4 stars). 23 submissions from 23 submitters: Uncertain significance (1). 22 of the submissions do not count toward it. Last evaluated 2025-11-13.

Conditions:
MYL3-related disorder. Also called: MYL3-related condition.
Cardiovascular phenotype. Identifiers: MedGen CN230736.
Long QT syndrome (LQTS). Identifiers: MedGen C0023976, MeSH D008133, MONDO:0002442. Disease mechanism: loss of function. Inheritance: Various modes of inheritance.
Cardiomyopathy (CMYO). Also called: Cardiomyopathies. Identifiers: Orphanet 167848, MedGen C0878544, MONDO:0004994, HP:0001638. Inheritance: Various modes of inheritance.
Hypertrophic cardiomyopathy 8. Also called: MYL3-Related Familial Hypertrophic Cardiomyopathy; CARDIOMYOPATHY, HYPERTROPHIC, MID-LEFT VENTRICULAR CHAMBER TYPE, 1. Identifiers: MedGen C1837471, MONDO:0012111, OMIM 608751.
Hypertrophic cardiomyopathy. Also called: HYPERTROPHIC MYOCARDIOPATHY. Identifiers: Orphanet 217569, MedGen C0007194, MeSH D002312, MONDO:0005045, HP:0001639.

Allele frequency attached by ClinVar (database versions not stated): TOPMed 0.00013; 1000 Genomes Project 0.00020; 1000 Genomes Project 30x 0.00031.
gnomAD v4.1: 190 of 1,614,056 alleles (0.012%); highest among the groups gnomAD compares: Middle Eastern, 0.15%; 1 homozygote.

Submissions 1 to 8 of 23:

ClinGen Cardiomyopathy Variant Curation Expert Panel
Classification: Uncertain significance for Hypertrophic cardiomyopathy. Last evaluated: 2025-11-13. Review status: reviewed by expert panel. Criteria: ClinGen CMP ACMG Specifications MYL3 V1.0.0. Collection method: curation. Allele origin: germline. Inheritance: Autosomal dominant inheritance.
Comment: NM_000258.3(MYL3):c.170C>A (p.Ala57Asp): This variant has been reported in individuals with HCM in the heterozygous and homozygous state (including PMIDs: 21239446, 23426552, 24111713, 31006259, 33288880), but is not statistically increased in individuals with HCM compared to controls [OR lower 95% CI <5] with respect to autosomal dominant disease. Therefore, the PS4 criterion has not been applied. This variant has been identified in 0.0003 FAF (17/30616) of South Asian chromosomes by gnomAD v2.1.1 (BS1). Computational prediction tools suggest that this variant may impact the protein (REVEL score >0.7; PP3). In summary, this variant is classified as Uncertain Significance for HCM in an autosomal dominant manner based on BS1 and PP3. Evaluation of this variant with respect to autosomal recessive disease was outside the scope of the current specifications.

Ambry Genetics
Classification: Uncertain significance for Cardiovascular phenotype. Last evaluated: 2026-06-26. Review status: criteria provided, single submitter. Criteria: Ambry Variant Classification Scheme 2023. Collection method: clinical testing. Allele origin: germline. Not counted in ClinVar's aggregate classification.
Comment: The p.A57D variant (also known as c.170C>A), located in coding exon 3 of the MYL3 gene, results from a C to A substitution at nucleotide position 170. The alanine at codon 57 is replaced by aspartic acid, an amino acid with dissimilar properties. This variant was reported in the heterozygous and homozygous states individual(s) with features consistent with hypertrophic cardiomyopathy (Fokstuen S et al. J Med Genet. 2011;48:572-6; Almaas VM et al. Europace. 2013;15:1319-27; Berge KE et al. Clin Genet. 2014;86:355-60; Rubattu S et al. Int J Mol Sci, 2016 Jul;17:1239; Oktay V et al. Anatol J Cardiol. 2023 Nov;27(11):628-638; Jaouadi H et al. Front Med (Lausanne). 2024 Oct;11:1480947; Ambry internal data). In some cases, there were unaffected heterozygous and homozygous family members of affected homozygotes (Jaafar N et al. Genet Test Mol Biomarkers. 2016;20:674-679; Osborn DPS et al. Genet Med, 2021 Apr;23:787-792). In addition, multiple probands with this variant have had additional pathogenic variants in other HCM-associated genes (Ambry internal data; Broendberg AK et al. Eur J Hum Genet, 2018 03;26:303-313). Furthermore, this variant did not demonstrate a deleterious impact in several functional assays performed in human induced pluripotent stem cells heterozygous or homozygous for this alteration, although zebrafish models showed only partial rescue; given that the molecular mechanisms underlying HCM are not fully understood, the physiological significance of these results is unclear (Ma N et al. Circulation. 2018;138:2666-2681; Osborn DPS et al. Genet Med, 2021 Apr;23:787-792). Based on data from gnomAD, the frequency for this variant is above the maximum credible frequency for a disease-causing variant in this gene based on internally established thresholds (Karczewski et al. Nature. 2020 May;581(7809):434-443; Whiffin et al. Genet Med. 2017 10;19:1151-1158). This amino acid position is well conserved in available vertebrate species. In addition, this alteration is predicted to be deleterious by in silico analysis. Since supporting evidence is conflicting at this time, the clinical significance of this alteration remains unclear.

CeGaT Center for Human Genetics Tuebingen
Classification: Uncertain significance. Last evaluated: 2026-03-01. Review status: criteria provided, single submitter. Criteria: CeGaT Center For Human Genetics Tuebingen Variant Classification Criteria Version 2. Collection method: clinical testing. Allele origin: germline. Affected: yes. Observed: 3 variant alleles. Not counted in ClinVar's aggregate classification.
Comment: MYL3: PP3, BS1:Supporting

Labcorp Genetics (formerly Invitae), Labcorp
Classification: Uncertain significance for Hypertrophic cardiomyopathy. Last evaluated: 2025-12-08. Review status: criteria provided, single submitter. Criteria: Invitae Variant Classification Sherloc (09022015). Collection method: clinical testing. Allele origin: germline. Not counted in ClinVar's aggregate classification.
Comment: This sequence change replaces alanine, which is neutral and non-polar, with aspartic acid, which is acidic and polar, at codon 57 of the MYL3 protein (p.Ala57Asp). This variant is present in population databases (rs139794067, gnomAD 0.06%). This missense change has been observed in individual(s) with hypertrophic cardiomyopathy (PMID: 21239446, 23426552, 24111713, 27483260, 34137518, 36964972, 37431535, 37652022). ClinVar contains an entry for this variant (Variation ID: 43121). An algorithm developed to predict the effect of missense changes on protein structure and function (PolyPhen-2) suggests that this variant is likely to be disruptive. Experimental studies have shown that this missense change does not substantially affect MYL3 function (PMID: 29914921). In summary, the available evidence is currently insufficient to determine the role of this variant in disease. Therefore, it has been classified as a Variant of Uncertain Significance.

Color Diagnostics, LLC DBA Color Health
Classification: Likely benign for Cardiomyopathy. Last evaluated: 2025-11-10. Review status: criteria provided, single submitter. Criteria: ACMG Guidelines, 2015. Collection method: clinical testing. Allele origin: germline. Not counted in ClinVar's aggregate classification.

Blueprint Genetics
Classification: Uncertain significance. Last evaluated: 2024-11-06. Review status: criteria provided, single submitter. Criteria: ACMG Guidelines, 2015. Collection method: clinical testing. Allele origin: germline. Not counted in ClinVar's aggregate classification.

All of Us Research Program, National Institutes of Health
Classification: Uncertain significance for Hypertrophic cardiomyopathy. Last evaluated: 2024-10-02. Review status: criteria provided, single submitter. Criteria: ACMG Guidelines, 2015. Collection method: clinical testing. Allele origin: germline. Inheritance: Autosomal dominant inheritance. Observed: 47 variant alleles, 47 heterozygotes. Not counted in ClinVar's aggregate classification.
Comment: This missense variant replaces alanine with aspartic acid at codon 57 of the MYL3 protein. Computational prediction suggests that this variant may have deleterious impact on protein structure and function (internally defined REVEL score threshold >= 0.7, PMID: 27666373). A functional study with human-induced pluripotent stem cells has shown that this variant has no significant impact on MYL3 protein as determined by gene expression, sarcomere structure, cell size, contractility, action potentials and calcium handling (PMID: 29914921). However, another study with zebrafish knockdown model has shown that this variant is unable to rescue the compromised cardiac function as wild-type MYL3 does (PMID: 33288880). This variant has been reported in multiple individuals affected with hypertrophic cardiomyopathy (PMID: 21239446, 23426552, 24111713, 27483260, 27574918, 33288880, 34137518), including three unrelated homozygotes (PMID: 27574918, 33288880, 34137518). This variant has also been identified in 46/282810 chromosomes in the general population by the Genome Aggregation Database (gnomAD). In summary, this is a variant with uncertain functional impact that has been observed in the control population as well as in affected individuals. The available evidence is insufficient to determine the role of this variant in disease conclusively. Therefore, this variant is classified as a Variant of Uncertain Significance.

This study involves interpretation of variants in research participants for the purpose of population health screening. Participant phenotype was not available at the time of variant classification. Additional details can be found in publication PMID: 35346344, PMCID: PMC8962531

Dept of Medical Biology, Uskudar University
Classification: Uncertain significance for Long QT syndrome. Last evaluated: 2024-01-08. Review status: criteria provided, single submitter. Criteria: Dept of Medical Biology Variant Classification. Collection method: research. Allele origin: maternal. Affected: yes. Observed: 1 variant allele. Not counted in ClinVar's aggregate classification.
Comment: Criteria: PP2, PP3, BS3